The following is an entry in ClinVar:

ClinVar aggregate classification (germline): Uncertain significance (1 of 4 stars; one submission).

gnomAD v4.1: 1 of 1,614,190 alleles (0.000062%); highest among the groups gnomAD compares: African/African-American, 0.0013%; no homozygotes.

Submission:

Ambry Genetics
Classification: Uncertain significance. Last evaluated: 2026-08-28. Review status: criteria provided, single submitter. Criteria: Ambry Variant Classification Scheme 2023. Collection method: clinical testing. Allele origin: germline.
Comment: The p.D1646H variant (also known as c.4936G>C), located in coding exon 43 of the KIF1B gene, results from a G to C substitution at nucleotide position 4936. The aspartic acid at codon 1646 is replaced by histidine, an amino acid with similar properties. This amino acid position is conserved. In addition, the in silico prediction for this alteration is inconclusive. Based on the available evidence, the clinical significance of this variant remains unclear.

NM_001365951.3(KIF1B):c.5074G>C (p.Asp1692His)

Gene: KIF1B (kinesin family member 1B; plus strand). Cytogenetic location: 1p36.22.
Variant type: single nucleotide variant.
Coding change: c.5074G>C on transcript NM_001365951.3 (MANE Select); coding-DNA position 5074, G replaced by C.
Protein change: p.Asp1692His; replaces aspartic acid 1692 with histidine.
Molecular consequence: missense variant.
Genome position (GRCh38, 1-based): chr1:10,374,443, G>C. VCF-style: chr1-10374443-G-C. GRCh37 (hg19) VCF-style: chr1-10434501-G-C.
Other names: c.5074G>C, p.Asp1692His (NM_001365952.1); c.4936G>C, p.Asp1646His (NM_015074.3); short protein forms D1646H, D1692H.
Identifiers: ClinVar variation 5023226 (VCV005023226.1).
Genomic context (GRCh38, chr1:10,374,443, plus strand): 5'-GCTGTGGAAACACCATATTTGGCCCGAGCAGGAAAAAACGAATTTCTCAATCTTGTTCCA[G>C]ATATTGAAGAAATTAGACCAAGGTGAGTACTATATTGAGCAGGAATGCCAGCTATAAAAA-3'
Protein context (NP_001352880.1, residues 1682-1702): GKNEFLNLVP[Asp1692His]IEEIRPSSVV